The following is an entry in ClinVar:

NM_001040108.2(MLH3):c.2101A>G (p.Ser701Gly)

Gene: MLH3 (mutL homolog 3; minus strand). Cytogenetic location: 14q24.3.
Variant type: single nucleotide variant.
Coding change: c.2101A>G on transcript NM_001040108.2 (MANE Select); coding-DNA position 2101, A replaced by G.
Protein change: p.Ser701Gly; replaces serine 701 with glycine.
Molecular consequence: missense variant.
Genome position (GRCh38, 1-based): chr14:75,047,555, T>C on the plus strand (A>G on the coding strand, the complement: MLH3 is on the minus strand). VCF-style: chr14-75047555-T-C. GRCh37 (hg19) VCF-style: chr14-75514258-T-C.
Other names: c.2101A>G, p.Ser701Gly (NM_014381.3); short protein forms S701G.
Identifiers: ClinVar variation 1785918 (VCV001785918.2), dbSNP rs954443470, ClinGen allele CA263648582.

ClinVar aggregate classification (germline): Uncertain significance (1 of 4 stars; one submission).

Submission:

Ambry Genetics
Classification: Uncertain significance. Last evaluated: 2021-10-01. Review status: criteria provided, single submitter. Criteria: Ambry Variant Classification Scheme 2023. Collection method: clinical testing. Allele origin: germline.
Comment: The p.S701G variant (also known as c.2101A>G), located in coding exon 1 of the MLH3 gene, results from an A to G substitution at nucleotide position 2101. The serine at codon 701 is replaced by glycine, an amino acid with similar properties. This amino acid position is conserved. In addition, this alteration is predicted to be tolerated by in silico analysis. Since supporting evidence is limited at this time, the clinical significance of this alteration remains unclear.